The following is an entry in ClinVar:

NM_000138.5(FBN1):c.4337-5C>G

Gene: FBN1 (fibrillin 1; minus strand). Cytogenetic location: 15q21.1.
Variant type: single nucleotide variant.
Coding change: c.4337-5C>G on transcript NM_000138.5 (MANE Select); 5 bases into the intron before coding-DNA position 4337, C replaced by G.
Molecular consequence: intron variant.
Genome position (GRCh38, 1-based): chr15:48,470,761, G>C on the plus strand (C>G on the coding strand, the complement: FBN1 is on the minus strand). VCF-style: chr15-48470761-G-C. GRCh37 (hg19) VCF-style: chr15-48762958-G-C.
Identifiers: ClinVar variation 702544 (VCV000702544.14), dbSNP rs370959127, ClinGen allele CA052687.

ClinVar aggregate classification (germline): Conflicting classifications of pathogenicity. Review status: criteria provided, conflicting classifications (1 of 4 stars). 4 submissions from 4 submitters: Uncertain significance (1); Likely benign (3). Last evaluated 2026-01-05.

Conditions:
Marfan syndrome (MFS). Also called: MARFAN SYNDROME, TYPE I; FBN1-Related Marfan Syndrome; Marfan syndrome type 1; Marfan's syndrome; Marfan syndrome, classic. Identifiers: Orphanet 284963, Orphanet 558, MedGen C0024796, MONDO:0007947, OMIM 154700.
Familial thoracic aortic aneurysm and aortic dissection (TAAD). Also called: Thoracic aortic aneurysms and dissections. Identifiers: Orphanet 91387, MedGen C4707243, MONDO:0019625.

Allele frequency attached by ClinVar (database versions not stated): gnomAD 0.00003; ESP Exome Variant Server 0.00008; ExAC 0.00029; gnomAD exomes 0.00015; TOPMed 0.00002.
gnomAD v4.1: 96 of 1,613,826 alleles (0.0059%); highest among the groups gnomAD compares: Admixed American, 0.005%; no homozygotes.

Submissions (4):

Labcorp Genetics (formerly Invitae), Labcorp
Classification: Likely benign for Marfan syndrome; Familial thoracic aortic aneurysm and aortic dissection. Last evaluated: 2026-01-05. Review status: criteria provided, single submitter. Criteria: Invitae Variant Classification Sherloc (09022015). Collection method: clinical testing. Allele origin: germline.

All of Us Research Program, National Institutes of Health
Classification: Likely benign for Marfan syndrome. Last evaluated: 2023-12-13. Review status: criteria provided, single submitter. Criteria: ACMG Guidelines, 2015. Collection method: clinical testing. Allele origin: germline. Inheritance: Autosomal dominant inheritance. Observed: 4 variant alleles, 4 heterozygotes.
Comment: This study involves interpretation of variants in research participants for the purpose of population health screening. Participant phenotype was not available at the time of variant classification. Additional details can be found in publication PMID: 35346344, PMCID: PMC8962531

Ambry Genetics
Classification: Uncertain significance for Familial thoracic aortic aneurysm and aortic dissection. Last evaluated: 2022-03-21. Review status: criteria provided, single submitter. Criteria: Ambry Variant Classification Scheme 2023. Collection method: clinical testing. Allele origin: germline.
Comment: The c.4337-5C>G intronic variant results from a C to G substitution 5 nucleotides upstream from coding exon 35 in the FBN1 gene. This nucleotide position is poorly conserved in available vertebrate species. In silico splice site analysis predicts that this alteration will not have any significant effect on splicing. Since supporting evidence is limited at this time, the clinical significance of this alteration remains unclear.

Color Diagnostics, LLC DBA Color Health
Classification: Likely benign for Familial thoracic aortic aneurysm and aortic dissection. Last evaluated: 2018-12-05. Review status: criteria provided, single submitter. Criteria: ACMG Guidelines, 2015. Collection method: clinical testing. Allele origin: germline.